The following is an entry in ClinVar:

NM_000069.3(CACNA1S):c.3255+20G>A

Gene: CACNA1S (calcium voltage-gated channel subunit alpha1 S; minus strand). Cytogenetic location: 1q32.1.
Variant type: single nucleotide variant.
Coding change: c.3255+20G>A on transcript NM_000069.3 (MANE Select); 20 bases into the intron after coding-DNA position 3255, G replaced by A.
Molecular consequence: intron variant.
Genome position (GRCh38, 1-based): chr1:201,061,247, C>T on the plus strand (G>A on the coding strand, the complement: CACNA1S is on the minus strand). VCF-style: chr1-201061247-C-T. GRCh37 (hg19) VCF-style: chr1-201030375-C-T.
Identifiers: ClinVar variation 2941260 (VCV002941260.3), dbSNP rs2464496930, ClinGen allele CA2649761392.
Genomic context (GRCh38, chr1:201,061,247, plus strand): 5'-CCCTGGCTGAACCTAGGGCTTGGGCCAGCAGGAGGCCTGCTGGAGCTCTGCCCTCCACCT[C>T]TGGCAGGCAGCCCAGGCACCTGGTTCTTGTCCAGCTCACAGTTCTTGTACTCAGTCTCTC-3'

ClinVar aggregate classification (germline): Uncertain significance (1 of 4 stars; one submission).

Conditions:
Malignant hyperthermia, susceptibility to, 5 (MHS5). Also called: CACNA1S-Related Malignant Hyperthermia Susceptibility. Identifiers: Orphanet 423, MedGen C1866077, MONDO:0011163, OMIM 601887.
Hypokalemic periodic paralysis, type 1. Also called: HypoPP; Hypokalemic Periodic Paralysis Type 1 (AD). Identifiers: Orphanet 681, MedGen C3714580, MONDO:0042979, OMIM 170400.

Allele frequency attached by ClinVar (database versions not stated): gnomAD exomes below 0.00001.
gnomAD v4.1: 1 of 1,608,566 alleles (0.000062%); highest among the groups gnomAD compares: African/African-American, 0.0013%; no homozygotes.

Submission:

Labcorp Genetics (formerly Invitae), Labcorp
Classification: Uncertain significance for Hypokalemic periodic paralysis, type 1; Malignant hyperthermia, susceptibility to, 5. Last evaluated: 2022-11-03. Review status: criteria provided, single submitter. Criteria: Invitae Variant Classification Sherloc (09022015). Collection method: clinical testing. Allele origin: germline.
Comment: In summary, the available evidence is currently insufficient to determine the role of this variant in disease. Therefore, it has been classified as a Variant of Uncertain Significance. Algorithms developed to predict the effect of sequence changes on RNA splicing suggest that this variant may create or strengthen a splice site. This variant has not been reported in the literature in individuals affected with CACNA1S-related conditions. This variant is not present in population databases (gnomAD no frequency). This sequence change falls in intron 25 of the CACNA1S gene. It does not directly change the encoded amino acid sequence of the CACNA1S protein.